The following is an entry in ClinVar:

NM_002661.5(PLCG2):c.1328C>T (p.Ser443Leu)

Gene: PLCG2 (phospholipase C gamma 2; plus strand). Cytogenetic location: 16q23.3.
Variant type: single nucleotide variant.
Coding change: c.1328C>T on transcript NM_002661.5 (MANE Select); coding-DNA position 1328, C replaced by T.
Protein change: p.Ser443Leu; replaces serine 443 with leucine.
Molecular consequence: missense variant.
Genome position (GRCh38, 1-based): chr16:81,900,746, C>T. VCF-style: chr16-81900746-C-T. GRCh37 (hg19) VCF-style: chr16-81934351-C-T.
Other names: c.1328C>T, p.Ser443Leu (NM_001425749.1, NM_001425750.1, NM_001425751.1); short protein forms S443L.
Identifiers: ClinVar variation 2997967 (VCV002997967.3), dbSNP rs749548361, ClinGen allele CA8193690.

ClinVar aggregate classification (germline): Uncertain significance (1 of 4 stars; one submission).

Conditions:
Familial cold autoinflammatory syndrome 3 (FCAS3). Also called: FAMILIAL ATYPICAL COLD URTICARIA; ANTIBODY DEFICIENCY AND IMMUNE DYSREGULATION, PLCG2-ASSOCIATED. Identifiers: Orphanet 300359, MedGen C3280914, MONDO:0013766, OMIM 614468.

Allele frequency attached by ClinVar (database versions not stated): gnomAD exomes below 0.00001; ExAC 0.00001.
gnomAD v4.1: 1 of 1,604,838 alleles (0.000062%); highest among the groups gnomAD compares: Non-Finnish European, 0.000085%; no homozygotes.

Submission:

Labcorp Genetics (formerly Invitae), Labcorp
Classification: Uncertain significance for Familial cold autoinflammatory syndrome 3. Last evaluated: 2023-08-21. Review status: criteria provided, single submitter. Criteria: Invitae Variant Classification Sherloc (09022015). Collection method: clinical testing. Allele origin: germline.
Comment: This sequence change replaces serine, which is neutral and polar, with leucine, which is neutral and non-polar, at codon 443 of the PLCG2 protein (p.Ser443Leu). This variant is present in population databases (rs749548361, gnomAD 0.0009%). This variant has not been reported in the literature in individuals affected with PLCG2-related conditions. An algorithm developed to predict the effect of missense changes on protein structure and function (PolyPhen-2) suggests that this variant is likely to be disruptive. In summary, the available evidence is currently insufficient to determine the role of this variant in disease. Therefore, it has been classified as a Variant of Uncertain Significance.